The following is an entry in ClinVar:

NM_000059.4(BRCA2):c.4748T>C (p.Ile1583Thr)

Gene: BRCA2 (BRCA2 DNA repair associated; plus strand). Cytogenetic location: 13q13.1.
Variant type: single nucleotide variant.
Coding change: c.4748T>C on transcript NM_000059.4 (MANE Select); coding-DNA position 4748, T replaced by C.
Protein change: p.Ile1583Thr; replaces isoleucine 1583 with threonine.
Molecular consequence: missense variant.
Genome position (GRCh38, 1-based): chr13:32,339,103, T>C. VCF-style: chr13-32339103-T-C. GRCh37 (hg19) VCF-style: chr13-32913240-T-C.
Other names: short protein forms I1583T.
Identifiers: ClinVar variation 627989 (VCV000627989.18), dbSNP rs1566231072, ClinGen allele CA387783077.
Genomic context (GRCh38, chr13:32,339,103, plus strand): 5'-GGGCAAAGACCCTAAAGTACAGAGAGGCCTGTAAAGACCTTGAATTAGCATGTGAGACCA[T>C]TGAGATCACAGCTGCCCCAAAGTGTAAAGAAATGCAGAATTCTCTCAATAATGATAAAAA-3'
Protein context (NP_000050.3, residues 1573-1593): CKDLELACET[Ile1583Thr]EITAAPKCKE

ClinVar aggregate classification (germline): Conflicting classifications of pathogenicity. Review status: criteria provided, conflicting classifications (1 of 4 stars). 4 submissions from 4 submitters: Uncertain significance (3); Likely benign (1). Last evaluated 2024-07-18.

Conditions:
Hereditary cancer-predisposing syndrome. Also called: Neoplastic Syndromes, Hereditary; Tumor predisposition; Hereditary neoplastic syndrome; Hereditary Cancer Syndrome. Identifiers: Orphanet 140162, MedGen C0027672, MeSH D009386, MONDO:0015356.
Hereditary breast ovarian cancer syndrome. Also called: Hereditary breast and ovarian cancer syndrome; Hereditary breast and ovarian cancer; Hereditary breast and ovarian cancer syndrome (HBOC); Breast and ovarian cancer; Hereditary breast and/or ovarian cancer syndrome; BRCA1- and BRCA2-Associated Hereditary Breast and Ovarian Cancer. Identifiers: Orphanet 145, MedGen C0677776, MeSH D061325, MONDO:0003582. Disease mechanism: loss of function.

Submissions (4):

Labcorp Genetics (formerly Invitae), Labcorp
Classification: Uncertain significance for Hereditary breast ovarian cancer syndrome. Last evaluated: 2024-07-18. Review status: criteria provided, single submitter. Criteria: Invitae Variant Classification Sherloc (09022015). Collection method: clinical testing. Allele origin: germline.
Comment: This sequence change replaces isoleucine, which is neutral and non-polar, with threonine, which is neutral and polar, at codon 1583 of the BRCA2 protein (p.Ile1583Thr). This variant is not present in population databases (gnomAD no frequency). This missense change has been observed in individual(s) with clinical features of BRCA2-related conditions (Invitae). ClinVar contains an entry for this variant (Variation ID: 627989). Advanced modeling of protein sequence and biophysical properties (such as structural, functional, and spatial information, amino acid conservation, physicochemical variation, residue mobility, and thermodynamic stability) performed at Invitae indicates that this missense variant is not expected to disrupt BRCA2 protein function with a negative predictive value of 95%. In summary, the available evidence is currently insufficient to determine the role of this variant in disease. Therefore, it has been classified as a Variant of Uncertain Significance.

Ambry Genetics
Classification: Uncertain significance for Hereditary cancer-predisposing syndrome. Last evaluated: 2024-06-16. Review status: criteria provided, single submitter. Criteria: Ambry Variant Classification Scheme 2023. Collection method: clinical testing. Allele origin: germline.
Comment: The p.I1583T variant (also known as c.4748T>C), located in coding exon 10 of the BRCA2 gene, results from a T to C substitution at nucleotide position 4748. The isoleucine at codon 1583 is replaced by threonine, an amino acid with similar properties. This amino acid position is poorly conserved in available vertebrate species. In addition, this alteration is predicted to be tolerated by in silico analysis. Since supporting evidence is limited at this time, the clinical significance of this alteration remains unclear.

Color Diagnostics, LLC DBA Color Health
Classification: Uncertain significance for Hereditary cancer-predisposing syndrome. Last evaluated: 2023-12-05. Review status: criteria provided, single submitter. Criteria: ACMG Guidelines, 2015. Collection method: clinical testing. Allele origin: germline.
Comment: This missense variant replaces isoleucine with threonine at codon 1583 of the BRCA2 protein. Computational prediction suggests that this variant may not impact protein structure and function (internally defined REVEL score threshold <= 0.5, PMID: 27666373). To our knowledge, functional studies have not been reported for this variant. This variant has not been reported in individuals affected with BRCA2-related disorders in the literature. This variant has not been identified in the general population by the Genome Aggregation Database (gnomAD). The available evidence is insufficient to determine the role of this variant in disease conclusively. Therefore, this variant is classified as a Variant of Uncertain Significance.

University of Washington Department of Laboratory Medicine, University of Washington
Classification: Likely benign for Hereditary cancer-predisposing syndrome. Last evaluated: 2023-03-23. Review status: criteria provided, single submitter. Criteria: Dines et al. (Genet Med. 2020). Collection method: curation. Allele origin: germline.
Comment: Missense variant in a coldspot region where missense variants are very unlikely to be pathogenic (PMID:31911673).

BRCA2 exon 11 coldspot. Reclassification based on statistical prior probability.